The following is an entry in ClinVar:

NM_015338.6(ASXL1):c.3463C>T (p.Leu1155Phe)

Gene: ASXL1 (ASXL transcriptional regulator 1; plus strand). Cytogenetic location: 20q11.21.
Variant type: single nucleotide variant.
Coding change: c.3463C>T on transcript NM_015338.6 (MANE Select); coding-DNA position 3463, C replaced by T.
Protein change: p.Leu1155Phe; replaces leucine 1155 with phenylalanine.
Molecular consequence: missense variant.
Genome position (GRCh38, 1-based): chr20:32,436,175, C>T. VCF-style: chr20-32436175-C-T. GRCh37 (hg19) VCF-style: chr20-31023978-C-T.
Other names: c.3280C>T, p.Leu1094Phe (NM_001363734.1); short protein forms L1094F, L1155F.
Identifiers: ClinVar variation 5029960 (VCV005029960.1).

ClinVar aggregate classification (germline): Uncertain significance (1 of 4 stars; one submission).

Conditions:
Inborn genetic diseases. Identifiers: MedGen C0950123, MeSH D030342.

Submission:

Ambry Genetics
Classification: Uncertain significance for Inborn genetic diseases. Last evaluated: 2026-07-19. Review status: criteria provided, single submitter. Criteria: Ambry Variant Classification Scheme 2023. Collection method: clinical testing. Allele origin: germline.
Comment: The p.L1155F variant (also known as c.3463C>T), located in coding exon 13 of the ASXL1 gene, results from a C to T substitution at nucleotide position 3463. The leucine at codon 1155 is replaced by phenylalanine, an amino acid with highly similar properties. This amino acid position is conserved. In addition, this alteration is predicted to be tolerated by in silico analysis. Based on the available evidence, the clinical significance of this variant remains unclear.